The following is an entry in ClinVar:

ClinVar aggregate classification (germline): Uncertain significance (1 of 4 stars; one submission).

Allele frequency attached by ClinVar (database versions not stated): gnomAD exomes 0.00001; ExAC 0.00002; gnomAD 0.00003; TOPMed 0.00005; ESP Exome Variant Server 0.00008.
gnomAD v4.1: 15 of 1,608,846 alleles (0.00093%); highest among the groups gnomAD compares: African/African-American, 0.017%; no homozygotes.

Submission:

Labcorp Genetics (formerly Invitae), Labcorp
Classification: Uncertain significance. Last evaluated: 2022-08-16. Review status: criteria provided, single submitter. Criteria: Invitae Variant Classification Sherloc (09022015). Collection method: clinical testing. Allele origin: germline.
Comment: This sequence change replaces threonine, which is neutral and polar, with isoleucine, which is neutral and non-polar, at codon 1693 of the DMXL2 protein (p.Thr1693Ile). This variant is present in population databases (rs142240120, gnomAD 0.03%). This variant has not been reported in the literature in individuals affected with DMXL2-related conditions. Algorithms developed to predict the effect of missense changes on protein structure and function (SIFT, PolyPhen-2, Align-GVGD) all suggest that this variant is likely to be tolerated. Algorithms developed to predict the effect of sequence changes on RNA splicing suggest that this variant may create or strengthen a splice site. In summary, the available evidence is currently insufficient to determine the role of this variant in disease. Therefore, it has been classified as a Variant of Uncertain Significance.

NM_001378457.1(DMXL2):c.5078C>T (p.Thr1693Ile)

Gene: DMXL2 (Dmx like 2; minus strand). Cytogenetic location: 15q21.2.
Variant type: single nucleotide variant.
Coding change: c.5078C>T on transcript NM_001378457.1 (MANE Select); coding-DNA position 5078, C replaced by T.
Protein change: p.Thr1693Ile; replaces threonine 1693 with isoleucine.
Molecular consequence: missense variant. On other transcripts: non-coding transcript variant (2).
Genome position (GRCh38, 1-based): chr15:51,488,093, G>A on the plus strand (C>T on the coding strand, the complement: DMXL2 is on the minus strand). VCF-style: chr15-51488093-G-A. GRCh37 (hg19) VCF-style: chr15-51780290-G-A.
Other names: c.5078C>T, p.Thr1693Ile (NM_001174116.3, NM_001378458.1, NM_001378459.1 and 4 more transcripts); c.3170C>T, p.Thr1057Ile (NM_001174117.3); c.3059C>T, p.Thr1020Ile (NM_001378460.1); c.4838C>T, p.Thr1613Ile (NM_001378464.1); short protein forms T1020I, T1057I, T1693I, T1613I.
Identifiers: ClinVar variation 1951103 (VCV001951103.2), dbSNP rs142240120, ClinGen allele CA7561865.